The following is an entry in ClinVar:

NM_024675.4(PALB2):c.1040A>G (p.Glu347Gly)

Gene: PALB2 (partner and localizer of BRCA2; minus strand). Cytogenetic location: 16p12.2.
Variant type: single nucleotide variant.
Coding change: c.1040A>G on transcript NM_024675.4 (MANE Select); coding-DNA position 1040, A replaced by G.
Protein change: p.Glu347Gly; replaces glutamic acid 347 with glycine.
Molecular consequence: missense variant.
Genome position (GRCh38, 1-based): chr16:23,635,506, T>C on the plus strand (A>G on the coding strand, the complement: PALB2 is on the minus strand). VCF-style: chr16-23635506-T-C. GRCh37 (hg19) VCF-style: chr16-23646827-T-C.
Other names: short protein forms E347G.
Identifiers: ClinVar variation 1359588 (VCV001359588.11), dbSNP rs2142427838, ClinGen allele CA395134237.

ClinVar aggregate classification (germline): Uncertain significance. Review status: criteria provided, multiple submitters, no conflicts (2 of 4 stars). 2 submissions from 2 submitters: Uncertain significance (2). Last evaluated 2023-04-22.

Conditions:
Hereditary cancer-predisposing syndrome. Also called: Tumor predisposition; Hereditary neoplastic syndrome; Neoplastic Syndromes, Hereditary; Hereditary Cancer Syndrome. Identifiers: Orphanet 140162, MedGen C0027672, MeSH D009386, MONDO:0015356.
Familial cancer of breast. Also called: Hereditary breast cancer; BREAST CANCER, FAMILIAL; hereditary breast carcinoma. Identifiers: Orphanet 227535, MedGen C0346153, MONDO:0016419, OMIM 114480. Disease mechanism: loss of function.

Submissions (2):

Labcorp Genetics (formerly Invitae), Labcorp
Classification: Uncertain significance for Familial cancer of breast. Last evaluated: 2023-04-22. Review status: criteria provided, single submitter. Criteria: Invitae Variant Classification Sherloc (09022015). Collection method: clinical testing. Allele origin: germline.
Comment: This variant has not been reported in the literature in individuals affected with PALB2-related conditions. In summary, the available evidence is currently insufficient to determine the role of this variant in disease. Therefore, it has been classified as a Variant of Uncertain Significance. Advanced modeling of protein sequence and biophysical properties (such as structural, functional, and spatial information, amino acid conservation, physicochemical variation, residue mobility, and thermodynamic stability) performed at Invitae indicates that this missense variant is not expected to disrupt PALB2 protein function. ClinVar contains an entry for this variant (Variation ID: 1359588). This variant is not present in population databases (gnomAD no frequency). This sequence change replaces glutamic acid, which is acidic and polar, with glycine, which is neutral and non-polar, at codon 347 of the PALB2 protein (p.Glu347Gly).

Ambry Genetics
Classification: Uncertain significance for Hereditary cancer-predisposing syndrome. Last evaluated: 2022-04-25. Review status: criteria provided, single submitter. Criteria: Ambry Variant Classification Scheme 2023. Collection method: clinical testing. Allele origin: germline.
Comment: The p.E347G variant (also known as c.1040A>G), located in coding exon 4 of the PALB2 gene, results from an A to G substitution at nucleotide position 1040. The glutamic acid at codon 347 is replaced by glycine, an amino acid with similar properties. This amino acid position is conserved. In addition, this alteration is predicted to be tolerated by in silico analysis. Since supporting evidence is limited at this time, the clinical significance of this alteration remains unclear.